The following is an entry in ClinVar:

ClinVar aggregate classification (germline): Uncertain significance. Review status: criteria provided, single submitter (1 of 4 stars). 2 submissions from 2 submitters: Uncertain significance (1). 1 of the submissions does not count toward it. Last evaluated 2023-08-20.

Conditions:
CASP10-related disorder. Also called: CASP10-related condition.
Autoimmune lymphoproliferative syndrome type 2A (ALPS2A). Also called: Autoimmune lymphoproliferative syndrome type 2; CASP10-Related Autoimmune Lymphoproliferative Syndrome; AUTOIMMUNE LYMPHOPROLIFERATIVE SYNDROME, TYPE IIA. Identifiers: Orphanet 3261, MedGen C1858968, MONDO:0011383, OMIM 603909.

Allele frequency attached by ClinVar (database versions not stated): ExAC 0.00001.

Submissions (2):

Labcorp Genetics (formerly Invitae), Labcorp
Classification: Uncertain significance for Autoimmune lymphoproliferative syndrome type 2A. Last evaluated: 2023-08-20. Review status: criteria provided, single submitter. Criteria: Invitae Variant Classification Sherloc (09022015). Collection method: clinical testing. Allele origin: germline.
Comment: In summary, the available evidence is currently insufficient to determine the role of this variant in disease. Therefore, it has been classified as a Variant of Uncertain Significance. Advanced modeling of protein sequence and biophysical properties (such as structural, functional, and spatial information, amino acid conservation, physicochemical variation, residue mobility, and thermodynamic stability) performed at Invitae indicates that this missense variant is not expected to disrupt CASP10 protein function. This variant has not been reported in the literature in individuals affected with CASP10-related conditions. This variant is present in population databases (rs772096617, gnomAD 0.007%). This sequence change replaces lysine, which is basic and polar, with glutamic acid, which is acidic and polar, at codon 468 of the CASP10 protein (p.Lys468Glu).

PreventionGenetics, part of Exact Sciences
Classification: Uncertain significance for CASP10-related condition. Last evaluated: 2024-06-28. Review status: no assertion criteria provided. Collection method: clinical testing. Allele origin: germline. Not counted in ClinVar's aggregate classification.
Comment: The CASP10 c.1402A>G variant is predicted to result in the amino acid substitution p.Lys468Glu. To our knowledge, this variant has not been reported in the literature. This variant is reported in 0.0064% of alleles in individuals of African descent in gnomAD. At this time, the clinical significance of this variant is uncertain due to the absence of conclusive functional and genetic evidence.

NM_032977.4(CASP10):c.1402A>G (p.Lys468Glu)

Gene: CASP10 (caspase 10; plus strand). Cytogenetic location: 2q33.1.
Variant type: single nucleotide variant.
Coding change: c.1402A>G on transcript NM_032977.4 (MANE Select); coding-DNA position 1402, A replaced by G.
Protein change: p.Lys468Glu; replaces lysine 468 with glutamic acid.
Molecular consequence: missense variant. On other transcripts: 3 prime UTR variant (1).
Genome position (GRCh38, 1-based): chr2:201,209,549, A>G. VCF-style: chr2-201209549-A-G. GRCh37 (hg19) VCF-style: chr2-202074272-A-G.
Other names: c.1201A>G, p.Lys401Glu (NM_001206524.2); c.1273A>G, p.Lys425Glu (NM_001206542.2, NM_001230.5); c.1402A>G, p.Lys468Glu (NM_032974.5); c.*488A>G (NM_032976.4); short protein forms K401E, K468E, K425E.
Identifiers: ClinVar variation 2948944 (VCV002948944.4), dbSNP rs772096617, ClinGen allele CA2053235.